The following is an entry in ClinVar:

ClinVar aggregate classification (germline): Conflicting classifications of pathogenicity. Review status: criteria provided, conflicting classifications (1 of 4 stars). 2 submissions from 2 submitters: Likely pathogenic (1); Uncertain significance (1). Last evaluated 2024-08-29.

Submissions (3):

Blueprint Genetics
Classification: Uncertain significance. Last evaluated: 2024-08-29. Review status: criteria provided, single submitter. Criteria: ACMG Guidelines, 2015. Collection method: clinical testing. Allele origin: germline.

GeneDx
Classification: Likely pathogenic. Last evaluated: 2015-07-09. Review status: criteria provided, single submitter. Criteria: GeneDx Variant Classification (06012015). Collection method: clinical testing. Allele origin: germline. Affected: yes.
Comment: The E308G variant that is likely pathogenic has not been published as a pathogenic variant, nor has it been reported as a benign polymorphism to our knowledge. It was not observed in approximately 6,500 individuals of European and African American ancestry in the NHLBI Exome Sequencing Project, indicating it is not a common benign variant in these populations. E308G is a non-conservative amino acid substitution, which is likely to impact secondary protein structure as these residues differ in polarity, charge, size and/or other properties. This substitution occurs at a position that is conserved across species. In silico analysis predicts this variant is probably damaging to the protein structure/function. Missense variants in nearby residues (F302S, Y304N/C, Q306H/P, V307G, V309G, I312M, and D316N/G/E) have been reported in the Human Gene Mutation Database in association with EDA1-related disorders (Stenson et al., 2009), supporting the functional importance of this region of the protein. Therefore, this variant is a strong candidate for a pathogenic variant, however the possibility that it is a benign variant cannot be excluded

Dr. Peter K. Rogan Lab, Western University
No classification provided (evidence only). Condition: Thyroid cancer, nonmedullary, 1. Review status: no classification provided. Collection method: in vitro. Allele origin: not applicable. Functional consequence: retained intron. Not counted in ClinVar's aggregate classification.

NM_001399.5(EDA):c.923A>G (p.Glu308Gly)

Gene: EDA (ectodysplasin A; plus strand). Cytogenetic location: Xq13.1.
Variant type: single nucleotide variant.
Coding change: c.923A>G on transcript NM_001399.5 (MANE Select); coding-DNA position 923, A replaced by G.
Protein change: p.Glu308Gly; replaces glutamic acid 308 with glycine.
Molecular consequence: missense variant. On other transcripts: intron variant (2).
Genome position (GRCh38, 1-based): chrX:70,033,527, A>G. VCF-style: chrX-70033527-A-G. GRCh37 (hg19) VCF-style: chrX-69253377-A-G.
Other names: NC_000023.10:g.69253377A>G; c.918+5A>G (NM_001005609.2); c.909+5A>G (NM_001005612.3); short protein forms E308G.
Identifiers: ClinVar variation 418172 (VCV000418172.4), dbSNP rs1064793106, ClinGen allele CA16621475.